The following is an entry in ClinVar:

NM_007294.4(BRCA1):c.2329T>C (p.Tyr777His)

Gene: BRCA1 (BRCA1 DNA repair associated; minus strand). Cytogenetic location: 17q21.31.
Variant type: single nucleotide variant.
Coding change: c.2329T>C on transcript NM_007294.4 (MANE Select); coding-DNA position 2329, T replaced by C.
Protein change: p.Tyr777His; replaces tyrosine 777 with histidine.
Molecular consequence: missense variant. On other transcripts: intron variant (137).
Genome position (GRCh38, 1-based): chr17:43,093,202, A>G on the plus strand (T>C on the coding strand, the complement: BRCA1 is on the minus strand). VCF-style: chr17-43093202-A-G. GRCh37 (hg19) VCF-style: chr17-41245219-A-G.
Other names: c.2326T>C, p.Tyr776His (NM_001407636.1, NM_001407637.1, NM_001407638.1 and 22 more transcripts); c.404-2170T>C (NM_001408511.1); c.646+1542T>C (NM_001408457.1, NM_001408460.1, NM_001408454.1 and 11 more transcripts); c.520+1542T>C (NM_001408505.1, NM_001408503.1, NM_001408504.1); c.461-2170T>C (NM_001408507.1, NM_001408506.1); c.545-2170T>C (NM_001408495.1); c.661+1542T>C (NM_001408448.1, NM_001408446.1, NM_001408435.1 and 6 more transcripts); c.668-2170T>C (NM_001408421.1, NM_001408431.1, NM_001408424.1); and 41 more; short protein forms Y730H, Y777H, Y649H, Y665H, Y709H, Y710H, Y735H, Y751H.
Identifiers: ClinVar variation 821108 (VCV000821108.18), dbSNP rs397507199, ClinGen allele CA10597344.

ClinVar aggregate classification (germline): Conflicting classifications of pathogenicity. Review status: criteria provided, conflicting classifications (1 of 4 stars). 4 submissions from 4 submitters: Uncertain significance (3); Likely benign (1). Last evaluated 2023-03-23.

Conditions:
Hereditary cancer-predisposing syndrome. Also called: Neoplastic Syndromes, Hereditary; Tumor predisposition; Hereditary Cancer Syndrome; Hereditary neoplastic syndrome. Identifiers: Orphanet 140162, MedGen C0027672, MeSH D009386, MONDO:0015356.
Hereditary breast ovarian cancer syndrome. Also called: Hereditary breast and/or ovarian cancer syndrome; BRCA1- and BRCA2-Associated Hereditary Breast and Ovarian Cancer; Hereditary breast and ovarian cancer syndrome; Hereditary breast and ovarian cancer; Hereditary breast and ovarian cancer syndrome (HBOC); Breast and ovarian cancer. Identifiers: Orphanet 145, MedGen C0677776, MeSH D061325, MONDO:0003582. Disease mechanism: loss of function.

gnomAD v4.1: 1 of 1,613,998 alleles (0.000062%); highest among the groups gnomAD compares: Non-Finnish European, 0.000085%; no homozygotes.

Submissions (4):

University of Washington Department of Laboratory Medicine, University of Washington
Classification: Likely benign for Hereditary cancer-predisposing syndrome. Last evaluated: 2023-03-23. Review status: criteria provided, single submitter. Criteria: Dines et al. (Genet Med. 2020). Collection method: curation. Allele origin: germline.
Comment: Missense variant in a coldspot region where missense variants are very unlikely to be pathogenic (PMID:31911673).

BRCA1 coldspot (exon 11 using historical exon numbering). Reclassification based on statistical prior probability

Color Diagnostics, LLC DBA Color Health
Classification: Uncertain significance for Hereditary cancer-predisposing syndrome. Last evaluated: 2019-05-22. Review status: criteria provided, single submitter. Criteria: ACMG Guidelines, 2015. Collection method: clinical testing. Allele origin: germline.

Labcorp Genetics (formerly Invitae), Labcorp
Classification: Uncertain significance for Hereditary breast ovarian cancer syndrome. Last evaluated: 2019-05-16. Review status: criteria provided, single submitter. Criteria: Invitae Variant Classification Sherloc (09022015). Collection method: clinical testing. Allele origin: germline.
Comment: This variant is not present in population databases (ExAC no frequency). In summary, the available evidence is currently insufficient to determine the role of this variant in disease. Therefore, it has been classified as a Variant of Uncertain Significance. Algorithms developed to predict the effect of missense changes on protein structure and function are either unavailable or do not agree on the potential impact of this missense change (SIFT: "Tolerated"; PolyPhen-2: "Possibly Damaging"; Align-GVGD: "Class C0"). This variant has not been reported in the literature in individuals with BRCA1-related conditions. This sequence change replaces tyrosine with histidine at codon 777 of the BRCA1 protein (p.Tyr777His). The tyrosine residue is moderately conserved and there is a moderate physicochemical difference between tyrosine and histidine.

Ambry Genetics
Classification: Uncertain significance for Hereditary cancer-predisposing syndrome. Last evaluated: 2018-08-07. Review status: criteria provided, single submitter. Criteria: Ambry Variant Classification Scheme 2023. Collection method: clinical testing. Allele origin: germline.
Comment: The p.Y777H variant (also known as c.2329T>C), located in coding exon 9 of the BRCA1 gene, results from a T to C substitution at nucleotide position 2329. The tyrosine at codon 777 is replaced by histidine, an amino acid with similar properties. This amino acid position is well conserved in available vertebrate species. In addition, the in silico prediction for this alteration is inconclusive. Since supporting evidence is limited at this time, the clinical significance of this alteration remains unclear.